The following is an entry in ClinVar:

NM_000179.3(MSH6):c.3319G>T (p.Asp1107Tyr)

Gene: MSH6 (mutS homolog 6; plus strand). Cytogenetic location: 2p16.3.
Variant type: single nucleotide variant.
Coding change: c.3319G>T on transcript NM_000179.3 (MANE Select); coding-DNA position 3319, G replaced by T.
Protein change: p.Asp1107Tyr; replaces aspartic acid 1107 with tyrosine.
Molecular consequence: missense variant. On other transcripts: non-coding transcript variant (5), intron variant (1).
Genome position (GRCh38, 1-based): chr2:47,803,566, G>T. VCF-style: chr2-47803566-G-T. GRCh37 (hg19) VCF-style: chr2-48030705-G-T.
Other names: c.3022G>T, p.Asp1008Tyr (NM_001406820.1, NM_001406821.1, NM_001406822.1 and 10 more transcripts); c.2413G>T, p.Asp805Tyr (NM_001406823.1, NM_001406811.1, NM_001406812.1 and 6 more transcripts); c.3151G>T, p.Asp1051Tyr (NM_001406826.1); c.3415G>T, p.Asp1139Tyr (NM_001406802.1, NM_001406795.1); c.2455G>T, p.Asp819Tyr (NM_001406803.1); c.3241G>T, p.Asp1081Tyr (NM_001406804.1); c.2794G>T, p.Asp932Tyr (NM_001406806.1, NM_001406807.1, NM_001406799.1); c.3319G>T, p.Asp1107Tyr (NM_001406808.1, NM_001406809.1, NM_001406796.1 and 1 more transcripts); and 7 more; short protein forms D1051Y, D1139Y, D56Y, D932Y, D1008Y, D585Y, D819Y, D1107Y.
Identifiers: ClinVar variation 2833387 (VCV002833387.5), dbSNP rs779415187, ClinGen allele CA346758666.

ClinVar aggregate classification (germline): Uncertain significance. Review status: criteria provided, multiple submitters, no conflicts (2 of 4 stars). 3 submissions from 3 submitters: Uncertain significance (3). Last evaluated 2026-07-06.

Conditions:
Hereditary cancer-predisposing syndrome. Also called: Hereditary Cancer Syndrome; Hereditary neoplastic syndrome; Neoplastic Syndromes, Hereditary; Tumor predisposition. Identifiers: Orphanet 140162, MedGen C0027672, MeSH D009386, MONDO:0015356.
Hereditary nonpolyposis colorectal neoplasms. Identifiers: MedGen C0009405, MeSH D003123.

Allele frequency attached by ClinVar (database versions not stated): gnomAD exomes below 0.00001.
gnomAD v4.1: 2 of 1,614,124 alleles (0.00012%); highest among the groups gnomAD compares: South Asian, 0.0011%; no homozygotes.

Submissions (3):

Ambry Genetics
Classification: Uncertain significance for Hereditary cancer-predisposing syndrome. Last evaluated: 2026-07-06. Review status: criteria provided, single submitter. Criteria: Ambry Variant Classification Scheme 2023. Collection method: clinical testing. Allele origin: germline.
Comment: The p.D1107Y variant (also known as c.3319G>T), located in coding exon 5 of the MSH6 gene, results from a G to T substitution at nucleotide position 3319. The aspartic acid at codon 1107 is replaced by tyrosine, an amino acid with highly dissimilar properties. This amino acid position is conserved. In addition, this alteration is predicted to be deleterious by in silico analysis. Based on the available evidence, the clinical significance of this variant remains unclear.

Color Diagnostics, LLC DBA Color Health
Classification: Uncertain significance for Hereditary cancer-predisposing syndrome. Last evaluated: 2025-07-17. Review status: criteria provided, single submitter. Criteria: ACMG Guidelines, 2015. Collection method: clinical testing. Allele origin: germline.
Comment: This missense variant replaces aspartic acid with tyrosine at codon 1107 of the MSH6 protein. Computational prediction suggests that this variant may have deleterious impact on protein structure and function. To our knowledge, functional studies have not been reported for this variant. This variant has not been reported in individuals affected with MSH6-related disorders in the literature. This variant has not been identified in the general population by the Genome Aggregation Database (gnomAD). The available evidence is insufficient to determine the role of this variant in disease conclusively. Therefore, this variant is classified as a Variant of Uncertain Significance.

Labcorp Genetics (formerly Invitae), Labcorp
Classification: Uncertain significance for Hereditary nonpolyposis colorectal neoplasms. Last evaluated: 2023-05-20. Review status: criteria provided, single submitter. Criteria: Invitae Variant Classification Sherloc (09022015). Collection method: clinical testing. Allele origin: germline.
Comment: In summary, the available evidence is currently insufficient to determine the role of this variant in disease. Therefore, it has been classified as a Variant of Uncertain Significance. Advanced modeling of protein sequence and biophysical properties (such as structural, functional, and spatial information, amino acid conservation, physicochemical variation, residue mobility, and thermodynamic stability) has been performed at Invitae for this missense variant, however the output from this modeling did not meet the statistical confidence thresholds required to predict the impact of this variant on MSH6 protein function. This variant has not been reported in the literature in individuals affected with MSH6-related conditions. This variant is not present in population databases (gnomAD no frequency). This sequence change replaces aspartic acid, which is acidic and polar, with tyrosine, which is neutral and polar, at codon 1107 of the MSH6 protein (p.Asp1107Tyr).